The following is an entry in ClinVar:

ClinVar aggregate classification (germline): Uncertain significance. Review status: criteria provided, multiple submitters, no conflicts (2 of 4 stars). 2 submissions from 2 submitters: Uncertain significance (2). Last evaluated 2019-04-16.

Conditions:
Cardiovascular phenotype. Identifiers: MedGen CN230736.

Allele frequency attached by ClinVar (database versions not stated): TOPMed below 0.00001; gnomAD exomes 0.00001 and 0.00002.
gnomAD v4.1: 6 of 1,613,940 alleles (0.00037%); highest among the groups gnomAD compares: Admixed American, 0.01%; no homozygotes.

Submissions (2):

Ambry Genetics
Classification: Uncertain significance for Cardiovascular phenotype. Last evaluated: 2019-04-16. Review status: criteria provided, single submitter. Criteria: Ambry Variant Classification Scheme 2023. Collection method: clinical testing. Allele origin: germline.
Comment: The p.K24655R variant (also known as c.73964A>G), located in coding exon 185 of the TTN gene, results from an A to G substitution at nucleotide position 73964. The lysine at codon 24655 is replaced by arginine, an amino acid with highly similar properties. This amino acid position is not well conserved in available vertebrate species, and arginine is the reference amino acid in other vertebrate species. In addition, this alteration is predicted to be tolerated by in silico analysis. Since supporting evidence is limited at this time, the clinical significance of this alteration remains unclear.

Laboratory for Molecular Medicine, Mass General Brigham Personalized Medicine
Classification: Uncertain significance. Last evaluated: 2014-04-02. Review status: criteria provided, single submitter. Criteria: LMM Criteria. Collection method: clinical testing. Allele origin: germline. Observed: 1 variant allele.
Comment: Variant classified as Uncertain Significance - Favor Benign. The Lys31152Arg var iant in TTN has not been previously reported in individuals with cardiomyopathy or in large population studies. Lysine (Lys) at position 31152 is not conserved in evolution and >15 bird and fish species carry an arginine (Arg), suggesting t hat this change may be tolerated. Although this data raises the possibility that the Lys31152Arg variant may be benign, additional studies are needed to fully d etermine this with confidence.

NM_001267550.2(TTN):c.101159A>G (p.Lys33720Arg)

Genes: TTN (titin; minus strand), TTN-AS1 (TTN antisense RNA 1; plus strand). Cytogenetic location: 2q31.2.
Variant type: single nucleotide variant.
Coding change: c.101159A>G on transcript NM_001267550.2 (MANE Select); coding-DNA position 101159, A replaced by G.
Protein change: p.Lys33720Arg; replaces lysine 33720 with arginine.
Molecular consequence: missense variant.
Genome position (GRCh38, 1-based): chr2:178,535,456, T>C on the plus strand (A>G on the coding strand, the complement: TTN is on the minus strand). VCF-style: chr2-178535456-T-C. GRCh37 (hg19) VCF-style: chr2-179400183-T-C.
Other names: c.93455A>G, p.Lys31152Arg (NM_133378.4); c.96236A>G, p.Lys32079Arg (NM_001256850.1); c.73964A>G, p.Lys24655Arg (NM_003319.4); c.74339A>G, p.Lys24780Arg (NM_133432.3); c.74540A>G, p.Lys24847Arg (NM_133437.4); short protein forms K31152R, K33720R, K24655R, K24847R, K32079R, K24780R.
Identifiers: ClinVar variation 165659 (VCV000165659.7), dbSNP rs727503535, ClinGen allele CA178375.